The following is an entry in ClinVar:

NM_152309.3(PIK3AP1):c.2237A>C (p.Asn746Thr)

Gene: PIK3AP1 (phosphoinositide-3-kinase adaptor protein 1; minus strand). Cytogenetic location: 10q24.1.
Variant type: single nucleotide variant.
Coding change: c.2237A>C on transcript NM_152309.3 (MANE Select); coding-DNA position 2237, A replaced by C.
Protein change: p.Asn746Thr; replaces asparagine 746 with threonine.
Molecular consequence: missense variant.
Genome position (GRCh38, 1-based): chr10:96,603,983, T>G on the plus strand (A>C on the coding strand, the complement: PIK3AP1 is on the minus strand). VCF-style: chr10-96603983-T-G. GRCh37 (hg19) VCF-style: chr10-98363740-T-G.
Other names: short protein forms N746T.
Identifiers: ClinVar variation 2849217 (VCV002849217.3), dbSNP rs376152605, ClinGen allele CA5626023.

ClinVar aggregate classification (germline): Uncertain significance (1 of 4 stars; one submission).

Conditions:
Infantile spasms. Also called: Infantile spasm. Identifiers: MedGen C3887898, HP:0012469.

Allele frequency attached by ClinVar (database versions not stated): TOPMed below 0.00001; gnomAD 0.00001; gnomAD exomes 0.00001; ExAC 0.00002; ESP Exome Variant Server 0.00008.
gnomAD v4.1: 17 of 1,604,052 alleles (0.0011%); highest among the groups gnomAD compares: Non-Finnish European, 0.0014%; no homozygotes.

Submission:

Labcorp Genetics (formerly Invitae), Labcorp
Classification: Uncertain significance for Infantile spasms. Last evaluated: 2024-12-08. Review status: criteria provided, single submitter. Criteria: Invitae Variant Classification Sherloc (09022015). Collection method: clinical testing. Allele origin: germline.
Comment: This sequence change replaces asparagine, which is neutral and polar, with threonine, which is neutral and polar, at codon 746 of the PIK3AP1 protein (p.Asn746Thr). This variant is present in population databases (rs376152605, gnomAD 0.001%). This variant has not been reported in the literature in individuals affected with PIK3AP1-related conditions. ClinVar contains an entry for this variant (Variation ID: 2849217). An algorithm developed to predict the effect of missense changes on protein structure and function (PolyPhen-2) suggests that this variant is likely to be disruptive. In summary, the available evidence is currently insufficient to determine the role of this variant in disease. Therefore, it has been classified as a Variant of Uncertain Significance.